The following is an entry in ClinVar:

NM_001267550.2(TTN):c.88306+5G>A

Genes: TTN (titin; minus strand), TTN-AS1 (TTN antisense RNA 1; plus strand). Cytogenetic location: 2q31.2.
Variant type: single nucleotide variant.
Coding change: c.88306+5G>A on transcript NM_001267550.2 (MANE Select); 5 bases into the intron after coding-DNA position 88306, G replaced by A.
Molecular consequence: intron variant.
Genome position (GRCh38, 1-based): chr2:178,556,843, C>T on the plus strand (G>A on the coding strand, the complement: TTN is on the minus strand). VCF-style: chr2-178556843-C-T. GRCh37 (hg19) VCF-style: chr2-179421570-C-T.
Other names: c.61111+5G>A (NM_003319.4); c.61687+5G>A (NM_133437.4); c.61486+5G>A (NM_133432.3); c.80602+5G>A (NM_133378.4); c.83383+5G>A (NM_001256850.1).
Identifiers: ClinVar variation 4885310 (VCV004885310.2).

ClinVar aggregate classification (germline): Uncertain significance (1 of 4 stars; one submission).

gnomAD v4.1: 1 of 1,612,970 alleles (0.000062%); highest among the groups gnomAD compares: Non-Finnish European, 0.000085%; no homozygotes.

Submission:

Dasa
Classification: Uncertain significance. Last evaluated: 2025-01-02. Review status: criteria provided, single submitter. Criteria: DASA Assertion Criteria. Collection method: clinical testing. Allele origin: germline.
Comment: NM_001267550.2(TTN):c.88306+5G>A is a splice-region variant. This variant is rare in population databases. The currently available literature and clinical evidence are not sufficient to establish a definitive association between this variant and the reported condition. Therefore, this variant is classified as a variant of uncertain significance.